The following is an entry in ClinVar:

NM_000135.4(FANCA):c.3451A>G (p.Met1151Val)

Gene: FANCA (FA complementation group A; minus strand). Cytogenetic location: 16q24.3.
Variant type: single nucleotide variant.
Coding change: c.3451A>G on transcript NM_000135.4 (MANE Select); coding-DNA position 3451, A replaced by G.
Protein change: p.Met1151Val; replaces methionine 1151 with valine.
Molecular consequence: missense variant.
Genome position (GRCh38, 1-based): chr16:89,746,646, T>C on the plus strand (A>G on the coding strand, the complement: FANCA is on the minus strand). VCF-style: chr16-89746646-T-C. GRCh37 (hg19) VCF-style: chr16-89813054-T-C.
Other names: c.3451A>G, p.Met1151Val (NM_001286167.3); short protein forms M1151V.
Identifiers: ClinVar variation 3848098 (VCV003848098.1).

ClinVar aggregate classification (germline): Uncertain significance (1 of 4 stars; one submission).

Conditions:
Inborn genetic diseases. Identifiers: MedGen C0950123, MeSH D030342.

Submission:

Ambry Genetics
Classification: Uncertain significance for Inborn genetic diseases. Last evaluated: 2025-01-08. Review status: criteria provided, single submitter. Criteria: Ambry Variant Classification Scheme 2023. Collection method: clinical testing. Allele origin: germline.
Comment: The p.M1151V variant (also known as c.3451A>G), located in coding exon 35 of the FANCA gene, results from an A to G substitution at nucleotide position 3451. The methionine at codon 1151 is replaced by valine, an amino acid with highly similar properties. This amino acid position is conserved. In addition, this alteration is predicted to be tolerated by in silico analysis. Based on the available evidence, the clinical significance of this variant remains unclear.